The following is an entry in ClinVar:

NC_000022.11:g.40346456C>G

Gene: ADSL (adenylosuccinate lyase; plus strand). Cytogenetic location: 22q13.1.
Variant type: single nucleotide variant.
Genome position: GRCh38 VCF-style: chr22-40346456-C-G. GRCh37 (hg19) VCF-style: chr22-40742460-C-G.
Identifiers: ClinVar variation 1437140 (VCV001437140.4), dbSNP rs533768359, ClinGen allele CA324446932.
Genomic context (GRCh38, chr22:40,346,456, plus strand): 5'-GCAGCGGAGATTCTCCGCAGCCGGCAGCGCCCAGGGCGCCCGGAACCCAGAGAGCGAGAC[C>G]GCGTGAAGGAAGTCCCGCCCCGCCCCGTCCTGCCCTGGCCTCCAGGTTTCCGCTTCCGCT-3'

ClinVar aggregate classification (germline): Uncertain significance (1 of 4 stars; one submission).

Conditions:
Adenylosuccinate lyase deficiency (ADSLD). Also called: ADSL DEFICIENCY. Identifiers: Orphanet 46, MedGen C0268126, MONDO:0007068, OMIM 103050.

Allele frequency attached by ClinVar (database versions not stated): TOPMed below 0.00001; gnomAD 0.00001 and 0.00003; 1000 Genomes Project 30x 0.00031; 1000 Genomes Project 0.00040.

Submission:

Labcorp Genetics (formerly Invitae), Labcorp
Classification: Uncertain significance for Adenylosuccinate lyase deficiency. Last evaluated: 2025-01-15. Review status: criteria provided, single submitter. Criteria: Invitae Variant Classification Sherloc (09022015). Collection method: clinical testing. Allele origin: germline.
Comment: This variant occurs in a non-coding region of the ADSL gene. It does not change the encoded amino acid sequence of the ADSL protein. This variant is not present in population databases (gnomAD no frequency). This variant has not been reported in the literature in individuals affected with ADSL-related conditions. Experimental studies and prediction algorithms are not available or were not evaluated, and the functional significance of this variant is currently unknown. In summary, the available evidence is currently insufficient to determine the role of this variant in disease. Therefore, it has been classified as a Variant of Uncertain Significance.